The following is an entry in ClinVar:

ClinVar aggregate classification (germline): Uncertain significance (1 of 4 stars; one submission).

Conditions:
Tuberous sclerosis 2 (TSC2). Identifiers: Orphanet 805, MedGen C1860707, MONDO:0013199, OMIM 613254.

Submission:

Labcorp Genetics (formerly Invitae), Labcorp
Classification: Uncertain significance for Tuberous sclerosis 2. Last evaluated: 2022-05-19. Review status: criteria provided, single submitter. Criteria: Invitae Variant Classification Sherloc (09022015). Collection method: clinical testing. Allele origin: germline.
Comment: This sequence change creates a premature translational stop signal (p.Ser983*) in the TSC2 gene. While this is not anticipated to result in nonsense mediated decay, it is expected to disrupt the last 825 amino acid(s) of the TSC2 protein. This variant is not present in population databases (gnomAD no frequency). This variant has not been reported in the literature in individuals affected with TSC2-related conditions. In summary, the available evidence is currently insufficient to determine the role of this variant in disease. Therefore, it has been classified as a Variant of Uncertain Significance.

NM_000548.5(TSC2):c.2946_2947del (p.Val982_Ser983insTer)

Gene: TSC2 (TSC complex subunit 2; plus strand). Cytogenetic location: 16p13.3.
Variant type: Microsatellite.
Coding change: c.2946_2947del on transcript NM_000548.5 (MANE Select); coding-DNA positions 2946 to 2947, 2 bases deleted (GT; older notation c.2946_2947delGT).
Protein change: p.Val982_Ser983insTer.
Molecular consequence: frameshift variant. On other transcripts: nonsense (10), intron variant (9).
Genome position (GRCh38, 1-based): chr16:2,077,706-2,077,707, GT deleted; deleting any 2 consecutive bases within chr16:2,077,702-2,077,707 gives the same sequence; the c. name uses the placement nearest the transcript's 3' end. VCF-style (leftmost placement, unchanged base first): chr16-2077701-AGT-A. GRCh37 (hg19) VCF-style: chr16-2127702-AGT-A.
Other names: c.2946_2947del, p.Val982_Ser983insTer (NM_001114382.3); c.2942_2943GT[2], p.Ser983Terfs (NM_001406663.1, NM_001406664.1); c.2831_2832GT[2], p.Ser946Terfs (NM_001406670.1); c.2795_2796GT[2], p.Ser934Terfs (NM_001406675.1, NM_001406676.1); c.2342_2343GT[2], p.Ser783Terfs (NM_001406680.1, NM_001406682.1, NM_001406683.1 and 1 more transcripts); c.1598_1599GT[2], p.Ser535Terfs (NM_001406689.1); c.2837+1117GT[2] (NM_021055.3, NM_001370405.1, NM_001363528.2 and 2 more transcripts); c.2726+1117GT[2] (NM_001318827.2); and 3 more.
Identifiers: ClinVar variation 1984970 (VCV001984970.4), dbSNP rs2543978345, ClinGen allele CA2580612751.
Genomic context (GRCh38, chr16:2,077,701, plus strand): 5'-CCACCCGTGAAAGAATTCAAGGAGAGCTCTGCAGCCGAGGCCTTCCGGTGCCGCAGCATC[AGT>A]GTGTCTGAACATGTGGTCCGCAGGTAGCGGGACTGTCGGGTGGGGGGCACGGACCCTGGA-3'